The following is an entry in ClinVar:

NM_003239.5(TGFB3):c.353-1G>C

Gene: TGFB3 (transforming growth factor beta 3; minus strand). Cytogenetic location: 14q24.3.
Variant type: single nucleotide variant.
Coding change: c.353-1G>C on transcript NM_003239.5 (MANE Select); the canonical splice acceptor site of the intron before coding-DNA position 353, G replaced by C.
Molecular consequence: splice acceptor variant.
Genome position (GRCh38, 1-based): chr14:75,971,719, C>G on the plus strand (G>C on the coding strand, the complement: TGFB3 is on the minus strand). VCF-style: chr14-75971719-C-G. GRCh37 (hg19) VCF-style: chr14-76438062-C-G.
Other names: c.353-1G>C (NM_001329939.2, NM_001329938.2).
Identifiers: ClinVar variation 477636 (VCV000477636.7), dbSNP rs1555360883, ClinGen allele CA390470382.
Genomic context (GRCh38, chr14:75,971,719, plus strand): 5'-AGGACACATTGAAGCGGAAAACCTTGGAGGTAATTCCTTTAGGGCAGACAGCCAGTTCGT[C>G]TAGGAGATAAAGCAGAGCAGAGGGCACAGCATGAGCGAGACATGCAGGAACAGTGTGCTG-3'

ClinVar aggregate classification (germline): Likely pathogenic (1 of 4 stars; one submission).

Conditions:
Rienhoff syndrome. Also called: LOEYS-DIETZ SYNDROME 5. Identifiers: MedGen C3810012, MONDO:0014262, OMIM 615582.

Submission:

Labcorp Genetics (formerly Invitae), Labcorp
Classification: Likely pathogenic for Rienhoff syndrome. Last evaluated: 2022-07-18. Review status: criteria provided, single submitter. Criteria: Invitae Variant Classification Sherloc (09022015). Collection method: clinical testing. Allele origin: germline.
Comment: In summary, the currently available evidence indicates that the variant is pathogenic, but additional data are needed to prove that conclusively. Therefore, this variant has been classified as Likely Pathogenic. Algorithms developed to predict the effect of sequence changes on RNA splicing suggest that this variant may disrupt the consensus splice site. ClinVar contains an entry for this variant (Variation ID: 477636). This variant has not been reported in the literature in individuals affected with TGFB3-related conditions. This variant is not present in population databases (gnomAD no frequency). This sequence change affects an acceptor splice site in intron 1 of the TGFB3 gene. It is expected to disrupt RNA splicing. Variants that disrupt the donor or acceptor splice site typically lead to a loss of protein function (PMID: 16199547), and loss-of-function variants in TGFB3 are known to be pathogenic (PMID: 25835445, 26188975).

Literature cited by the submitters: PubMed 16199547; PubMed 25835445; PubMed 26188975.